The following is an entry in ClinVar:

ClinVar aggregate classification (germline): Pathogenic (1 of 4 stars; one submission).

Conditions:
Brachyolmia-amelogenesis imperfecta syndrome. Also called: PLATYSPONDYLY WITH AMELOGENESIS IMPERFECTA; Tooth agenesis, selective, 6; Dental anomalies and short stature. Identifiers: Orphanet 2899, MedGen C1832594, MONDO:0011018, OMIM 601216. Disease mechanism: loss of function.

Submission:

Labcorp Genetics (formerly Invitae), Labcorp
Classification: Pathogenic for Brachyolmia-amelogenesis imperfecta syndrome. Last evaluated: 2024-10-13. Review status: criteria provided, single submitter. Criteria: Invitae Variant Classification Sherloc (09022015). Collection method: clinical testing. Allele origin: germline.
Comment: This sequence change creates a premature translational stop signal (p.Met633Ilefs*29) in the LTBP3 gene. It is expected to result in an absent or disrupted protein product. Loss-of-function variants in LTBP3 are known to be pathogenic (PMID: 11790802, 19344874, 25669657). This variant is not present in population databases (gnomAD no frequency). This variant has not been reported in the literature in individuals affected with LTBP3-related conditions. For these reasons, this variant has been classified as Pathogenic.

Literature cited by the submitters: PubMed 11790802; PubMed 19344874; PubMed 25669657.

NM_001130144.3(LTBP3):c.1899del (p.Met633fs)

Genes: LTBP3 (latent transforming growth factor beta binding protein 3; minus strand), LOC130006032 (ATAC-STARR-seq lymphoblastoid silent region 3535; plus strand). Cytogenetic location: 11q13.1.
Variant type: Deletion.
Coding change: c.1899del on transcript NM_001130144.3 (MANE Select); coding-DNA position 1899, one base deleted (G; older notation c.1899delG).
Protein change: p.Met633fs; shifts the reading frame from methionine 633.
Molecular consequence: frameshift variant.
Genome position (GRCh38, 1-based): chr11:65,547,769, C deleted on the plus strand (G on the coding strand, the reverse complement: LTBP3 is on the minus strand). VCF-style (leftmost placement, unchanged base first): chr11-65547768-TC-T. GRCh37 (hg19) VCF-style: chr11-65315239-TC-T.
Other names: c.1548del, p.Met516fs (NM_001164266.1); c.1899del, p.Met633fs (NM_021070.4); short protein forms M516fs, M633fs.
Identifiers: ClinVar variation 3693092 (VCV003693092.2).